The following is an entry in ClinVar:

ClinVar aggregate classification (germline): Likely benign. Review status: criteria provided, single submitter (1 of 4 stars). 2 submissions from 2 submitters: Likely benign (1). 1 of the submissions does not count toward it. Last evaluated 2024-10-07.

Conditions:
EMILIN1-related disorder. Also called: EMILIN1-related condition.

Allele frequency attached by ClinVar (database versions not stated): ESP Exome Variant Server 0.00208; 1000 Genomes Project 30x 0.00437; 1000 Genomes Project 0.00459.
gnomAD v4.1: 867 of 1,613,838 alleles (0.054%); highest among the groups gnomAD compares: African/African-American, 1%; 6 homozygotes.

Submissions (2):

Blueprint Genetics
Classification: Likely benign. Last evaluated: 2024-10-07. Review status: criteria provided, single submitter. Criteria: ACMG Guidelines, 2015. Collection method: clinical testing. Allele origin: germline.

PreventionGenetics, part of Exact Sciences
Classification: Benign for EMILIN1-related condition. Last evaluated: 2019-11-06. Review status: no assertion criteria provided. Collection method: clinical testing. Allele origin: germline. Not counted in ClinVar's aggregate classification.
Comment: This variant is classified as benign based on ACMG/AMP sequence variant interpretation guidelines (Richards et al. 2015 PMID: 25741868, with internal and published modifications).

NM_007046.4(EMILIN1):c.2151C>G (p.Ala717=)

Gene: EMILIN1 (elastin microfibril interfacer 1; plus strand). Cytogenetic location: 2p23.3.
Variant type: single nucleotide variant.
Coding change: c.2151C>G on transcript NM_007046.4 (MANE Select); coding-DNA position 2151, C replaced by G.
Protein change: p.Ala717=; no amino-acid change (alanine 717 retained).
Molecular consequence: synonymous variant.
Genome position (GRCh38, 1-based): chr2:27,083,722, C>G. VCF-style: chr2-27083722-C-G. GRCh37 (hg19) VCF-style: chr2-27306590-C-G.
Identifiers: ClinVar variation 3045515 (VCV003045515.3), dbSNP rs10186315, ClinGen allele CA1568851.
Genomic context (GRCh38, chr2:27,083,722, plus strand): 5'-AGAGCATGCTACAGAGAGTGAAGAGCGCTTCCGAGGCCTAGAGGAGGGACAAGCACAGGC[C>G]GGCCAGTGCCCCAGCTTAGAGGGGCGATTGGGCCGTCTTGAGGGTGTCTGTGAACGGTTG-3'
Protein context (NP_008977.1, residues 707-727): FRGLEEGQAQ[Ala717=]GQCPSLEGRL